The following is an entry in ClinVar:

ClinVar aggregate classification (germline): Uncertain significance. Review status: criteria provided, multiple submitters, no conflicts (2 of 4 stars). 2 submissions from 2 submitters: Uncertain significance (2). Last evaluated 2021-09-01.

Conditions:
Muscular dystrophy-dystroglycanopathy (congenital with brain and eye anomalies), type a, 12 (MDDGA12). Also called: WALKER-WARBURG SYNDROME OR MUSCLE-EYE-BRAIN DISEASE, POMK-RELATED. Identifiers: Orphanet 899, MedGen C3808964, MONDO:0014101, OMIM 615249.
Limb-girdle muscular dystrophy due to POMK deficiency. Also called: MUSCULAR DYSTROPHY-DYSTROGLYCANOPATHY, LIMB-GIRDLE, POMK-RELATED; Muscular dystrophy-dystroglycanopathy (limb-girdle), type c, 12. Identifiers: Orphanet 445110, MedGen C4015184, MONDO:0014489, OMIM 616094.

Allele frequency attached by ClinVar (database versions not stated): TOPMed 0.00003; ESP Exome Variant Server 0.00023.
gnomAD v4.1: 36 of 1,614,028 alleles (0.0022%); highest among the groups gnomAD compares: Non-Finnish European, 0.0013%; no homozygotes.

Submissions (2):

Labcorp Genetics (formerly Invitae), Labcorp
Classification: Uncertain significance for Muscular dystrophy-dystroglycanopathy (congenital with brain and eye anomalies), type a, 12; Limb-girdle muscular dystrophy due to POMK deficiency. Last evaluated: 2021-09-01. Review status: criteria provided, single submitter. Criteria: Invitae Variant Classification Sherloc (09022015). Collection method: clinical testing. Allele origin: germline.
Comment: This sequence change replaces arginine with leucine at codon 200 of the POMK protein (p.Arg200Leu). The arginine residue is moderately conserved and there is a moderate physicochemical difference between arginine and leucine. This variant is present in population databases (rs146214675, ExAC 0.01%). This variant has not been reported in the literature in individuals affected with POMK-related conditions. Algorithms developed to predict the effect of missense changes on protein structure and function output the following: SIFT: "Tolerated"; PolyPhen-2: "Benign"; Align-GVGD: "Class C0". The leucine amino acid residue is found in multiple mammalian species, which suggests that this missense change does not adversely affect protein function. In summary, the available evidence is currently insufficient to determine the role of this variant in disease. Therefore, it has been classified as a Variant of Uncertain Significance.

GeneDx
Classification: Uncertain significance. Last evaluated: 2021-02-24. Review status: criteria provided, single submitter. Criteria: GeneDx Variant Classification Process June 2021. Collection method: clinical testing. Allele origin: germline. Affected: yes.
Comment: In silico analysis, which includes protein predictors and evolutionary conservation, supports a deleterious effect; Has not been previously published as pathogenic or benign to our knowledge

NM_032237.5(POMK):c.599G>T (p.Arg200Leu)

Gene: POMK (protein O-mannose kinase; plus strand). Cytogenetic location: 8p11.21.
Variant type: single nucleotide variant.
Coding change: c.599G>T on transcript NM_032237.5 (MANE Select); coding-DNA position 599, G replaced by T.
Protein change: p.Arg200Leu; replaces arginine 200 with leucine.
Molecular consequence: missense variant.
Genome position (GRCh38, 1-based): chr8:43,122,423, G>T. VCF-style: chr8-43122423-G-T. GRCh37 (hg19) VCF-style: chr8-42977566-G-T.
Other names: c.599G>T, p.Arg200Leu (NM_001277971.2); short protein forms R200L.
Identifiers: ClinVar variation 845543 (VCV000845543.6), dbSNP rs146214675, ClinGen allele CA4736315.
Genomic context (GRCh38, chr8:43,122,423, plus strand): 5'-AGCTGGCCATGGACTATGTCAGCATCATTAATTACCTGCACCACAGCCCTGTGGGCACAC[G>T]GGTCATGTGCGACTCCAACGACCTGCCGAAGACACTGTCCCAGTATCTGCTAACAAGCAA-3'
Protein context (NP_115613.1, residues 190-210): NYLHHSPVGT[Arg200Leu]VMCDSNDLPK